The following is an entry in ClinVar:

ClinVar aggregate classification (germline): Uncertain significance (1 of 4 stars; one submission).

Conditions:
Muscular dystrophy-dystroglycanopathy (congenital with brain and eye anomalies), type a, 11 (MDDGA11). Also called: Muscular dystrophy-dystroglycanopathy (congenital with brain and eye anomalies, type A, 11; WALKER-WARBURG SYNDROME OR MUSCLE-EYE-BRAIN DISEASE, B3GALNT2-RELATED; Congenital muscular dystrophy-dystroglycanopathy with brain and eye anomalies, type A11. Identifiers: Orphanet 588, Orphanet 899, MedGen C3554638, MONDO:0014071, OMIM 615181.

gnomAD v4.1: 16 of 1,613,774 alleles (0.00099%); highest among the groups gnomAD compares: Admixed American, 0.0017%; no homozygotes.

Submission:

Labcorp Genetics (formerly Invitae), Labcorp
Classification: Uncertain significance for Muscular dystrophy-dystroglycanopathy (congenital with brain and eye anomalies), type a, 11. Last evaluated: 2024-01-02. Review status: criteria provided, single submitter. Criteria: Invitae Variant Classification Sherloc (09022015). Collection method: clinical testing. Allele origin: germline.
Comment: This sequence change falls in intron 5 of the B3GALNT2 gene. It does not directly change the encoded amino acid sequence of the B3GALNT2 protein. It affects a nucleotide within the consensus splice site. This variant is present in population databases (no rsID available, gnomAD 0.003%). This variant has not been reported in the literature in individuals affected with B3GALNT2-related conditions. ClinVar contains an entry for this variant (Variation ID: 1943978). Variants that disrupt the consensus splice site are a relatively common cause of aberrant splicing (PMID: 17576681, 9536098). Algorithms developed to predict the effect of sequence changes on RNA splicing suggest that this variant is not likely to affect RNA splicing. In summary, the available evidence is currently insufficient to determine the role of this variant in disease. Therefore, it has been classified as a Variant of Uncertain Significance.

Literature cited by the submitters: PubMed 17576681; PubMed 9536098.

NM_152490.5(B3GALNT2):c.651+5A>G

Gene: B3GALNT2 (beta-1,3-N-acetylgalactosaminyltransferase 2; minus strand). Cytogenetic location: 1q42.3.
Variant type: single nucleotide variant.
Coding change: c.651+5A>G on transcript NM_152490.5 (MANE Select); 5 bases into the intron after coding-DNA position 651, A replaced by G.
Molecular consequence: intron variant.
Genome position (GRCh38, 1-based): chr1:235,480,049, T>C on the plus strand (A>G on the coding strand, the complement: B3GALNT2 is on the minus strand). VCF-style: chr1-235480049-T-C. GRCh37 (hg19) VCF-style: chr1-235643365-T-C.
Other names: c.774+5A>G (NM_001277155.3).
Identifiers: ClinVar variation 1943978 (VCV001943978.3), dbSNP rs750146613, ClinGen allele CA529471528.